The following is an entry in ClinVar:

ClinVar aggregate classification (germline): Uncertain significance. Review status: criteria provided, multiple submitters, no conflicts (2 of 4 stars). 5 submissions from 5 submitters: Uncertain significance (5). Last evaluated 2025-08-21.

Conditions:
Monogenic diabetes. Identifiers: Orphanet 183625, MedGen C3888631, MONDO:0015967.
Inborn genetic diseases. Identifiers: MedGen C0950123, MeSH D030342.
Neonatal diabetes mellitus with congenital hypothyroidism. Also called: NDH SYNDROME. Identifiers: Orphanet 79118, MedGen C1857775, MONDO:0012436, OMIM 610199.

Allele frequency attached by ClinVar (database versions not stated): TOPMed 0.00004; ExAC 0.00009; gnomAD 0.00013; ESP Exome Variant Server 0.00015; 1000 Genomes Project 30x 0.00016; 1000 Genomes Project 0.00020.
gnomAD v4.1: 66 of 1,614,006 alleles (0.0041%); highest among the groups gnomAD compares: East Asian, 0.018%; no homozygotes.

Submissions (5):

Ambry Genetics
Classification: Uncertain significance for Inborn genetic diseases. Last evaluated: 2025-08-21. Review status: criteria provided, single submitter. Criteria: Ambry Variant Classification Scheme 2023. Collection method: clinical testing. Allele origin: germline.

Fulgent Genetics
Classification: Uncertain significance for Neonatal diabetes mellitus with congenital hypothyroidism. Last evaluated: 2022-05-17. Review status: criteria provided, single submitter. Criteria: ACMG Guidelines, 2015. Collection method: clinical testing. Allele origin: unknown.

New York Genome Center
Classification: Uncertain significance for Neonatal diabetes mellitus with congenital hypothyroidism. Last evaluated: 2021-12-16. Review status: criteria provided, single submitter. Criteria: NYGC Assertion Criteria 2020. Collection method: clinical testing. Allele origin: germline. Observed: 2 heterozygotes. Clinical features observed: Hyperlipidemia (HP:0003077), Type 2 diabetes mellitus (HP:0005978), Diabetes mellitus (HP:0000819).

Personalized Diabetes Medicine Program, University of Maryland School of Medicine
Classification: Uncertain significance for Monogenic diabetes. Last evaluated: 2017-03-10. Review status: criteria provided, single submitter. Criteria: ACMG Guidelines, 2015. Collection method: research. Allele origin: unknown. Observed: 1 variant allele, 1 heterozygote. Study: Personalized Diabetes Medicine Program.
Comment: ACMG Criteria:PP3 (2 predictors), BP4 (9 predictors)

Breakthrough Genomics
Classification: Uncertain significance. Review status: criteria provided, single submitter. Criteria: ACMG Guidelines, 2015. Collection method: not provided. Allele origin: germline. Inheritance: Autosomal recessive inheritance. Affected: yes.

NM_001042413.2(GLIS3):c.2339G>A (p.Arg780Gln)

Gene: GLIS3 (GLIS family zinc finger 3; minus strand). Cytogenetic location: 9p24.2.
Variant type: single nucleotide variant.
Coding change: c.2339G>A on transcript NM_001042413.2 (MANE Select); coding-DNA position 2339, G replaced by A.
Protein change: p.Arg780Gln; replaces arginine 780 with glutamine.
Molecular consequence: missense variant.
Genome position (GRCh38, 1-based): chr9:3,856,143, C>T on the plus strand (G>A on the coding strand, the complement: GLIS3 is on the minus strand). VCF-style: chr9-3856143-C-T. GRCh37 (hg19) VCF-style: chr9-3856143-C-T.
Other names: c.1874G>A, p.Arg625Gln (NM_152629.4); c.1874G>A (NM_152629.3); short protein forms R780Q, R625Q.
Identifiers: ClinVar variation 549528 (VCV000549528.10), dbSNP rs200694226, ClinGen allele CA4967824.